The following is an entry in ClinVar:

NM_001127208.3(TET2):c.1337T>C (p.Leu446Ser)

Genes: TET2 (tet methylcytosine dioxygenase 2; plus strand), TET2-AS1 (TET2 antisense RNA 1; minus strand). Cytogenetic location: 4q24.
Variant type: single nucleotide variant.
Coding change: c.1337T>C on transcript NM_001127208.3 (MANE Select); coding-DNA position 1337, T replaced by C.
Protein change: p.Leu446Ser; replaces leucine 446 with serine.
Molecular consequence: missense variant.
Genome position (GRCh38, 1-based): chr4:105,235,279, T>C. VCF-style: chr4-105235279-T-C. GRCh37 (hg19) VCF-style: chr4-106156436-T-C.
Other names: c.1337T>C, p.Leu446Ser (NM_017628.4); short protein forms L446S.
Identifiers: ClinVar variation 3967471 (VCV003967471.3).

ClinVar aggregate classification (germline): Uncertain significance. Review status: criteria provided, multiple submitters, no conflicts (2 of 4 stars). 2 submissions from 2 submitters: Uncertain significance (2). Last evaluated 2025-03-18.

Submissions (2):

Ambry Genetics
Classification: Uncertain significance. Last evaluated: 2025-03-18. Review status: criteria provided, single submitter. Criteria: Ambry Variant Classification Scheme 2023. Collection method: clinical testing. Allele origin: germline.
Comment: The p.L446S variant (also known as c.1337T>C), located in coding exon 1 of the TET2 gene, results from a T to C substitution at nucleotide position 1337. The leucine at codon 446 is replaced by serine, an amino acid with dissimilar properties. This amino acid position is conserved. In addition, this alteration is predicted to be tolerated by in silico analysis. Based on the available evidence, the clinical significance of this variant remains unclear.

Genetic Services Laboratory, University of Chicago
Classification: Uncertain significance. Last evaluated: 2023-01-05. Review status: criteria provided, single submitter. Criteria: ACMG Guidelines, 2015. Collection method: clinical testing. Allele origin: germline. Affected: no.
Comment: DNA sequence analysis of the TET2 gene demonstrated a sequence change, c.1337T>C, in exon 3 that results in an amino acid change, p.Leu446Ser. This sequence change does not appear to have been previously described in individuals with TET2-related disorders and has also not been described in population databases such as ExAC and gnomAD. The p.Leu446Ser change affects a poorly conserved amino acid residue located in a domain of the TET2 protein that is known to be functional. The p.Leu446Ser substitution appears to be benign using several in-silico pathogenicity prediction tools (SIFT, PolyPhen2, Align GVGD, REVEL). Due to insufficient evidences and the lack of functional studies, the clinical significance of the p.Leu446Ser change remains unknown at this time.